The following is an entry in ClinVar:

NM_000548.5(TSC2):c.2856C>G (p.Pro952=)

Gene: TSC2 (TSC complex subunit 2; plus strand). Cytogenetic location: 16p13.3.
Variant type: single nucleotide variant.
Coding change: c.2856C>G on transcript NM_000548.5 (MANE Select); coding-DNA position 2856, C replaced by G.
Protein change: p.Pro952=; no amino-acid change (proline 952 retained).
Molecular consequence: synonymous variant. On other transcripts: intron variant (31).
Genome position (GRCh38, 1-based): chr16:2,077,616, C>G. VCF-style: chr16-2077616-C-G. GRCh37 (hg19) VCF-style: chr16-2127617-C-G.
Other names: c.2745C>G, p.Pro915= (NM_001406670.1); c.2709C>G, p.Pro903= (NM_001406675.1, NM_001406676.1); c.2256C>G, p.Pro752= (NM_001406680.1, NM_001406682.1, NM_001406683.1 and 1 more transcripts); c.1512C>G, p.Pro504= (NM_001406689.1); c.1493+1031C>G (NM_001406693.1, NM_001406690.1, NM_001406692.1 and 5 more transcripts); c.2927+1031C>G (NM_001406667.1, NM_001406668.1); c.2237+1031C>G (NM_001406687.1, NM_001406685.1, NM_001318831.2 and 2 more transcripts); c.1235+1031C>G (NM_001406698.1); and 8 more.
Identifiers: ClinVar variation 4071262 (VCV004071262.1).

ClinVar aggregate classification (germline): Benign (1 of 4 stars; one submission).

Conditions:
Tuberous sclerosis 2 (TSC2). Identifiers: Orphanet 805, MedGen C1860707, MONDO:0013199, OMIM 613254.

Submission:

Myriad Genetics, Inc.
Classification: Benign for Tuberous sclerosis 2. Last evaluated: 2025-05-27. Review status: criteria provided, single submitter. Criteria: Myriad Autosomal Dominant, Autosomal Recessive and X-Linked Classification Criteria (2023). Collection method: clinical testing. Allele origin: unknown.
Comment: This variant is considered benign. This variant is a silent/synonymous amino acid change and it is not expected to impact splicing.